The following is an entry in ClinVar:

NM_022124.6(CDH23):c.337G>A (p.Val113Met)

Genes: CDH23 (cadherin related 23; plus strand), CDH23-AS1 (CDH23 antisense RNA 1; minus strand). Cytogenetic location: 10q22.1.
Variant type: single nucleotide variant.
Coding change: c.337G>A on transcript NM_022124.6 (MANE Select); coding-DNA position 337, G replaced by A.
Protein change: p.Val113Met; replaces valine 113 with methionine.
Molecular consequence: missense variant.
Genome position (GRCh38, 1-based): chr10:71,511,120, G>A. VCF-style: chr10-71511120-G-A. GRCh37 (hg19) VCF-style: chr10-73270877-G-A.
Other names: c.337G>A, p.Val113Met (NM_001171930.2, NM_001171931.2, NM_001171932.2 and 1 more transcripts); short protein forms V113M.
Identifiers: ClinVar variation 1948050 (VCV001948050.2), dbSNP rs776915217, ClinGen allele CA377115850.

ClinVar aggregate classification (germline): Uncertain significance (1 of 4 stars; one submission).

Submission:

Labcorp Genetics (formerly Invitae), Labcorp
Classification: Uncertain significance. Last evaluated: 2022-10-17. Review status: criteria provided, single submitter. Criteria: Invitae Variant Classification Sherloc (09022015). Collection method: clinical testing. Allele origin: germline.
Comment: This sequence change replaces valine, which is neutral and non-polar, with methionine, which is neutral and non-polar, at codon 113 of the CDH23 protein (p.Val113Met). This variant is not present in population databases (gnomAD no frequency). This variant has not been reported in the literature in individuals affected with CDH23-related conditions. Algorithms developed to predict the effect of missense changes on protein structure and function are either unavailable or do not agree on the potential impact of this missense change (SIFT: "Deleterious"; PolyPhen-2: "Not Available"; Align-GVGD: "Class C0"). In summary, the available evidence is currently insufficient to determine the role of this variant in disease. Therefore, it has been classified as a Variant of Uncertain Significance.